The following is an entry in ClinVar:

ClinVar aggregate classification (germline): Uncertain significance. Review status: criteria provided, multiple submitters, no conflicts (2 of 4 stars). 3 submissions from 3 submitters: Uncertain significance (3). Last evaluated 2024-11-01.

Conditions:
Congenital myasthenic syndrome 8. Also called: MYASTHENIC SYNDROME, CONGENITAL, DUE TO AGRIN DEFICIENCY; Myasthenic syndrome, congenital, 8, with pre- and postsynaptic defects. Identifiers: Orphanet 590, MedGen C3808739, MONDO:0014052, OMIM 615120.
Inborn genetic diseases. Identifiers: MedGen C0950123, MeSH D030342.

Allele frequency attached by ClinVar (database versions not stated): gnomAD exomes 0.00004 and 0.00003; gnomAD 0.00004; TOPMed 0.00004; ExAC 0.00004; ESP Exome Variant Server 0.00015.
gnomAD v4.1: 65 of 1,612,438 alleles (0.004%); highest among the groups gnomAD compares: Non-Finnish European, 0.0052%; no homozygotes.

Submissions (3):

Revvity Omics, Revvity
Classification: Uncertain significance for Congenital myasthenic syndrome 8. Last evaluated: 2024-11-01. Review status: criteria provided, single submitter. Criteria: ACMG Guidelines, 2015. Collection method: clinical testing. Allele origin: germline.

Ambry Genetics
Classification: Uncertain significance for Inborn genetic diseases. Last evaluated: 2024-10-03. Review status: criteria provided, single submitter. Criteria: Ambry Variant Classification Scheme 2023. Collection method: clinical testing. Allele origin: germline.

Labcorp Genetics (formerly Invitae), Labcorp
Classification: Uncertain significance for Congenital myasthenic syndrome 8. Last evaluated: 2021-10-08. Review status: criteria provided, single submitter. Criteria: Invitae Variant Classification Sherloc (09022015). Collection method: clinical testing. Allele origin: germline.
Comment: In summary, the available evidence is currently insufficient to determine the role of this variant in disease. Therefore, it has been classified as a Variant of Uncertain Significance. Algorithms developed to predict the effect of missense changes on protein structure and function output the following: SIFT: "Deleterious"; PolyPhen-2: "Possibly Damaging"; Align-GVGD: "Class C15". The phenylalanine amino acid residue is found in multiple mammalian species, which suggests that this missense change does not adversely affect protein function. This variant has not been reported in the literature in individuals affected with AGRN-related conditions. This variant is present in population databases (rs368058639, ExAC 0.007%). This sequence change replaces serine with phenylalanine at codon 981 of the AGRN protein (p.Ser981Phe). The serine residue is moderately conserved and there is a large physicochemical difference between serine and phenylalanine.

NM_198576.4(AGRN):c.2942C>T (p.Ser981Phe)

Gene: AGRN (agrin; plus strand). Cytogenetic location: 1p36.33.
Variant type: single nucleotide variant.
Coding change: c.2942C>T on transcript NM_198576.4 (MANE Select); coding-DNA position 2942, C replaced by T.
Protein change: p.Ser981Phe; replaces serine 981 with phenylalanine.
Molecular consequence: missense variant.
Genome position (GRCh38, 1-based): chr1:1,046,427, C>T. VCF-style: chr1-1046427-C-T. GRCh37 (hg19) VCF-style: chr1-981807-C-T.
Other names: c.2942C>T (NM_198576.3); c.2942C>T, p.Ser981Phe (NM_001305275.2); c.2627C>T, p.Ser876Phe (NM_001364727.2); short protein forms S981F, S876F.
Identifiers: ClinVar variation 1491603 (VCV001491603.6), dbSNP rs368058639, ClinGen allele CA508891.
Genomic context (GRCh38, chr1:1,046,427, plus strand): 5'-GTCCCCCCGCCAACCTCCCTCTCCTTGCAGAGGCTGTTGCTCCCAGCACTCACCCGACAT[C>T]TGCCTCCGTGACTGTGACCACCCCAGGGCTCCTCCTGAGCCAGGCACTGCCGGCCCCCCC-3'
Protein context (NP_940978.2, residues 971-991): EAVAPSTHPT[Ser981Phe]ASVTVTTPGL